The following is an entry in ClinVar:

ClinVar aggregate classification (germline): Uncertain significance (1 of 4 stars; one submission).

Allele frequency attached by ClinVar (database versions not stated): gnomAD exomes below 0.00001.
gnomAD v4.1: 1 of 1,613,492 alleles (0.000062%); highest among the groups gnomAD compares: Non-Finnish European, 0.000085%; no homozygotes.

Submission:

Ambry Genetics
Classification: Uncertain significance. Last evaluated: 2025-08-08. Review status: criteria provided, single submitter. Criteria: Ambry Variant Classification Scheme 2023. Collection method: clinical testing. Allele origin: germline.
Comment: The p.Q29H variant (also known as c.87G>T), located in coding exon 1 of the KIF1B gene, results from a G to T substitution at nucleotide position 87. The glutamine at codon 29 is replaced by histidine, an amino acid with highly similar properties. This amino acid position is well conserved in available vertebrate species. In addition, this alteration is predicted to be tolerated by in silico analysis. Since supporting evidence is limited at this time, the clinical significance of this alteration remains unclear.

NM_001365951.3(KIF1B):c.87G>T (p.Gln29His)

Genes: KIF1B (kinesin family member 1B; plus strand), LOC129388446 (MPRA-validated peak64 silencer; plus strand). Cytogenetic location: 1p36.22.
Variant type: single nucleotide variant.
Coding change: c.87G>T on transcript NM_001365951.3 (MANE Select); coding-DNA position 87, G replaced by T.
Protein change: p.Gln29His; replaces glutamine 29 with histidine.
Molecular consequence: missense variant.
Genome position (GRCh38, 1-based): chr1:10,232,415, G>T. VCF-style: chr1-10232415-G-T. GRCh37 (hg19) VCF-style: chr1-10292473-G-T.
Other names: c.87G>T, p.Gln29His (NM_001365952.1, NM_001365953.1, NM_015074.3 and 1 more transcripts); short protein forms Q29H.
Identifiers: ClinVar variation 1764727 (VCV001764727.3), dbSNP rs2102129325, ClinGen allele CA338316422.